The following is an entry in ClinVar:

ClinVar aggregate classification (germline): Uncertain significance. Review status: criteria provided, multiple submitters, no conflicts (2 of 4 stars). 2 submissions from 2 submitters: Uncertain significance (2). Last evaluated 2025-08-22.

Conditions:
Inborn genetic diseases. Identifiers: MedGen C0950123, MeSH D030342.

Allele frequency attached by ClinVar (database versions not stated): ExAC 0.00001.
gnomAD v4.1: 3 of 1,613,124 alleles (0.00019%); highest among the groups gnomAD compares: Non-Finnish European, 0.00025%; no homozygotes.

Submissions (2):

Ambry Genetics
Classification: Uncertain significance for Inborn genetic diseases. Last evaluated: 2025-08-22. Review status: criteria provided, single submitter. Criteria: Ambry Variant Classification Scheme 2023. Collection method: clinical testing. Allele origin: germline.

Labcorp Genetics (formerly Invitae), Labcorp
Classification: Uncertain significance. Last evaluated: 2022-05-13. Review status: criteria provided, single submitter. Criteria: Invitae Variant Classification Sherloc (09022015). Collection method: clinical testing. Allele origin: germline.
Comment: This sequence change replaces arginine, which is basic and polar, with glycine, which is neutral and non-polar, at codon 302 of the MYO7A protein (p.Arg302Gly). This variant is present in population databases (rs781922871, gnomAD 0.0009%). This variant has not been reported in the literature in individuals affected with MYO7A-related conditions. Advanced modeling of protein sequence and biophysical properties (such as structural, functional, and spatial information, amino acid conservation, physicochemical variation, residue mobility, and thermodynamic stability) performed at Invitae indicates that this missense variant is expected to disrupt MYO7A protein function. In summary, the available evidence is currently insufficient to determine the role of this variant in disease. Therefore, it has been classified as a Variant of Uncertain Significance.

NM_000260.4(MYO7A):c.904C>G (p.Arg302Gly)

Gene: MYO7A (myosin VIIA; plus strand). Cytogenetic location: 11q13.5.
Variant type: single nucleotide variant.
Coding change: c.904C>G on transcript NM_000260.4 (MANE Select); coding-DNA position 904, C replaced by G.
Protein change: p.Arg302Gly; replaces arginine 302 with glycine.
Molecular consequence: missense variant.
Genome position (GRCh38, 1-based): chr11:77,158,331, C>G. VCF-style: chr11-77158331-C-G. GRCh37 (hg19) VCF-style: chr11-76869377-C-G.
Other names: c.904C>G (NM_000260.3); c.904C>G, p.Arg302Gly (NM_001127180.2); c.871C>G, p.Arg291Gly (NM_001369365.1); short protein forms R291G, R302G.
Identifiers: ClinVar variation 1959277 (VCV001959277.3), dbSNP rs781922871, ClinGen allele CA6197299.
Genomic context (GRCh38, chr11:77,158,331, plus strand): 5'-CACCAGGGTAACTGCATAACCTGTGAGGGCCGGGTGGACAGCCAGGAGTACGCCAACATC[C>G]GCTCCGCCATGAAGGTGCTCATGTTCACTGACACCGAGAACTGGGAGATCTCGAAGCTCC-3'
Protein context (NP_000251.3, residues 292-312): RVDSQEYANI[Arg302Gly]SAMKVLMFTD